The following is an entry in ClinVar:

NM_013296.5(GPSM2):c.1123C>T (p.Leu375Phe)

Gene: GPSM2 (G protein signaling modulator 2; plus strand). Cytogenetic location: 1p13.3.
Variant type: single nucleotide variant.
Coding change: c.1123C>T on transcript NM_013296.5 (MANE Select); coding-DNA position 1123, C replaced by T.
Protein change: p.Leu375Phe; replaces leucine 375 with phenylalanine.
Molecular consequence: missense variant.
Genome position (GRCh38, 1-based): chr1:108,904,185, C>T. VCF-style: chr1-108904185-C-T. GRCh37 (hg19) VCF-style: chr1-109446807-C-T.
Other names: c.1123C>T, p.Leu375Phe (NM_001321038.2, NM_001321039.3); short protein forms L375F.
Identifiers: ClinVar variation 3361343 (VCV003361343.2).

ClinVar aggregate classification (germline): Uncertain significance (1 of 4 stars; one submission).

Submission:

GeneDx
Classification: Uncertain significance. Last evaluated: 2026-03-17. Review status: criteria provided, single submitter. Criteria: GeneDx Variant Classification Process June 2021. Collection method: clinical testing. Allele origin: germline.
Comment: Not observed at significant frequency in large population cohorts (gnomAD); In silico analysis supports that this missense variant has a deleterious effect on protein structure/function; Has not been previously published as pathogenic or benign to our knowledge